The following is an entry in ClinVar:

ClinVar aggregate classification (germline): Likely benign. Review status: criteria provided, multiple submitters, no conflicts (2 of 4 stars). 3 submissions from 3 submitters: Likely benign (3). Last evaluated 2025-11-21.

Conditions:
Cardiovascular phenotype. Identifiers: MedGen CN230736.
Atrioventricular septal defect 4 (AVSD4). Identifiers: MedGen C3280781, MONDO:0013747, OMIM 614430.

Allele frequency attached by ClinVar (database versions not stated): gnomAD exomes below 0.00001; TOPMed below 0.00001.
gnomAD v4.1: 1 of 1,532,846 alleles (0.000065%); highest among the groups gnomAD compares: South Asian, 0.0012%; no homozygotes.

Submissions (3):

Labcorp Genetics (formerly Invitae), Labcorp
Classification: Likely benign for Atrioventricular septal defect 4. Last evaluated: 2025-11-21. Review status: criteria provided, single submitter. Criteria: Invitae Variant Classification Sherloc (09022015). Collection method: clinical testing. Allele origin: germline.

Ambry Genetics
Classification: Likely benign for Cardiovascular phenotype. Last evaluated: 2025-06-01. Review status: criteria provided, single submitter. Criteria: Ambry Variant Classification Scheme 2023. Collection method: clinical testing. Allele origin: germline.

CeGaT Center for Human Genetics Tuebingen
Classification: Likely benign. Last evaluated: 2022-07-01. Review status: criteria provided, single submitter. Criteria: CeGaT Center For Human Genetics Tuebingen Variant Classification Criteria Version 2. Collection method: clinical testing. Allele origin: germline. Affected: yes. Observed: 1 variant allele.
Comment: GATA4: BP4, BP7

NM_001308093.3(GATA4):c.135C>G (p.Pro45=)

Gene: GATA4 (GATA binding protein 4). Cytogenetic location: 8p23.1.
Variant type: single nucleotide variant.
Coding change: c.135C>G on transcript NM_001308093.3 (MANE Select); coding-DNA position 135, C replaced by G.
Protein change: p.Pro45=; no amino-acid change (proline 45 retained).
Molecular consequence: synonymous variant. On other transcripts: intron variant (3).
Genome position (GRCh38, 1-based): chr8:11,708,447, C>G. VCF-style: chr8-11708447-C-G. GRCh37 (hg19) VCF-style: chr8-11565956-C-G.
Other names: c.135C>G, p.Pro45= (NM_002052.5); c.-6+7669C>G (NM_001308094.2); c.-3+433C>G (NM_001374274.1); c.-3+4143C>G (NM_001374273.1).
Identifiers: ClinVar variation 472773 (VCV000472773.34), dbSNP rs1297614525, ClinGen allele CA370308963.